The following is an entry in ClinVar:

NM_001025603.2(RFX5):c.1063C>G (p.Leu355Val)

Gene: RFX5 (regulatory factor X5; minus strand). Cytogenetic location: 1q21.3.
Variant type: single nucleotide variant.
Coding change: c.1063C>G on transcript NM_001025603.2 (MANE Select); coding-DNA position 1063, C replaced by G.
Protein change: p.Leu355Val; replaces leucine 355 with valine.
Molecular consequence: missense variant.
Genome position (GRCh38, 1-based): chr1:151,342,974, G>C on the plus strand (C>G on the coding strand, the complement: RFX5 is on the minus strand). VCF-style: chr1-151342974-G-C. GRCh37 (hg19) VCF-style: chr1-151315450-G-C.
Other names: c.1063C>G, p.Leu355Val (NM_000449.4, NM_001379412.1, NM_001379413.1 and 5 more transcripts); c.943C>G, p.Leu315Val (NM_001379419.1, NM_001379420.1); short protein forms L355V, L315V.
Identifiers: ClinVar variation 2180143 (VCV002180143.3), dbSNP rs1329825751, ClinGen allele CA341929977.

ClinVar aggregate classification (germline): Uncertain significance (1 of 4 stars; one submission).

Conditions:
MHC class II deficiency. Also called: Bare lymphocyte syndrome 2; BLS, TYPE II. Identifiers: Orphanet 572, MedGen C5447452, MONDO:0008855.

Allele frequency attached by ClinVar (database versions not stated): gnomAD exomes below 0.00001; TOPMed 0.00002.

Submission:

Labcorp Genetics (formerly Invitae), Labcorp
Classification: Uncertain significance for MHC class II deficiency. Last evaluated: 2024-02-24. Review status: criteria provided, single submitter. Criteria: Invitae Variant Classification Sherloc (09022015). Collection method: clinical testing. Allele origin: germline.
Comment: This sequence change replaces leucine, which is neutral and non-polar, with valine, which is neutral and non-polar, at codon 355 of the RFX5 protein (p.Leu355Val). This variant is not present in population databases (gnomAD no frequency). This variant has not been reported in the literature in individuals affected with RFX5-related conditions. ClinVar contains an entry for this variant (Variation ID: 2180143). An algorithm developed to predict the effect of missense changes on protein structure and function (PolyPhen-2) suggests that this variant is likely to be disruptive. In summary, the available evidence is currently insufficient to determine the role of this variant in disease. Therefore, it has been classified as a Variant of Uncertain Significance.